The following is an entry in ClinVar:

NM_000702.4(ATP1A2):c.2564-96C>T

Gene: ATP1A2 (ATPase Na+/K+ transporting subunit alpha 2; plus strand). Cytogenetic location: 1q23.2.
Variant type: single nucleotide variant.
Coding change: c.2564-96C>T on transcript NM_000702.4 (MANE Select); 96 bases into the intron before coding-DNA position 2564, C replaced by T.
Molecular consequence: intron variant.
Genome position (GRCh38, 1-based): chr1:160,136,474, C>T. VCF-style: chr1-160136474-C-T. GRCh37 (hg19) VCF-style: chr1-160106264-C-T.
Identifiers: ClinVar variation 4849451 (VCV004849451.1).
Genomic context (GRCh38, chr1:160,136,474, plus strand): 5'-CTTTTCCCAGCTTTCAGAGGAATGAGCCCCAAGCAAAATTCCAGGACAGAGGCCAGCTAC[C>T]CAAGGGTCAGGGACCTCCATCTCTGGCCCTGAGGGGCTGTGCCCCTTCTGCTTCCTGCTC-3'

ClinVar aggregate classification (germline): Uncertain significance (1 of 4 stars; one submission).

Conditions:
Migraine, familial hemiplegic, 2. Identifiers: Orphanet 569, MedGen C1865322, MONDO:0011232, OMIM 602481.

gnomAD v4.1: 10 of 1,612,716 alleles (0.00062%); highest among the groups gnomAD compares: Admixed American, 0.017%; no homozygotes.

Submission:

First Genomix Gene Laboratory, Genetic Diagnostics Department
Classification: Uncertain significance for Migraine, familial hemiplegic, 2. Last evaluated: 2025-06-02. Review status: criteria provided, single submitter. Criteria: ACMG Guidelines, 2015. Collection method: clinical testing. Allele origin: germline. Inheritance: Autosomal dominant inheritance. Affected: yes.
Comment: No samples from family members were available for segregation analysis. This variant has not been previously reported in the literature.